The following is an entry in ClinVar:

NM_000059.4(BRCA2):c.8913G>C (p.Lys2971Asn)

Gene: BRCA2 (BRCA2 DNA repair associated; plus strand). Cytogenetic location: 13q13.1.
Variant type: single nucleotide variant.
Coding change: c.8913G>C on transcript NM_000059.4 (MANE Select); coding-DNA position 8913, G replaced by C.
Protein change: p.Lys2971Asn; replaces lysine 2971 with asparagine.
Molecular consequence: missense variant.
Genome position (GRCh38, 1-based): chr13:32,379,475, G>C. VCF-style: chr13-32379475-G-C. GRCh37 (hg19) VCF-style: chr13-32953612-G-C.
Other names: c.8817G>C, p.Lys2939Asn (NM_001406719.1); c.8913G>C, p.Lys2971Asn (NM_001406720.1); c.3981G>C, p.Lys1327Asn (NM_001406721.1); c.2496G>C, p.Lys832Asn (NM_001406722.1); short protein forms K832N, K1327N, K2971N, K2939N.
Identifiers: ClinVar variation 1765090 (VCV001765090.2), dbSNP rs2548555244, ClinGen allele CA387757270.
Genomic context (GRCh38, chr13:32,379,475, plus strand): 5'-CATGGAATCTGCTGAACAAAAGGAACAAGGTTTATCAAGGGATGTCACAACCGTGTGGAA[G>C]TTGCGTATTGTAAGCTATTCAAAAAAAGAAAAAGATTCAGGTAAGTATGTAAATGCTTTG-3'
Protein context (NP_000050.3, residues 2961-2981): GLSRDVTTVW[Lys2971Asn]LRIVSYSKKE

ClinVar aggregate classification (germline): Uncertain significance (1 of 4 stars; one submission).

Conditions:
Hereditary cancer-predisposing syndrome. Also called: Neoplastic Syndromes, Hereditary; Tumor predisposition; Hereditary Cancer Syndrome; Hereditary neoplastic syndrome. Identifiers: Orphanet 140162, MedGen C0027672, MeSH D009386, MONDO:0015356.

Submission:

Ambry Genetics
Classification: Uncertain significance for Hereditary cancer-predisposing syndrome. Last evaluated: 2022-08-28. Review status: criteria provided, single submitter. Criteria: Ambry Variant Classification Scheme 2023. Collection method: clinical testing. Allele origin: germline.
Comment: The p.K2971N variant (also known as c.8913G>C), located in coding exon 21 of the BRCA2 gene, results from a G to C substitution at nucleotide position 8913. The lysine at codon 2971 is replaced by asparagine, an amino acid with similar properties. This amino acid position is conserved. In addition, the in silico prediction for this alteration is inconclusive. Since supporting evidence is limited at this time, the clinical significance of this alteration remains unclear.